The following is an entry in ClinVar:

ClinVar aggregate classification (germline): Conflicting classifications of pathogenicity. Review status: criteria provided, conflicting classifications (1 of 4 stars). 3 submissions from 3 submitters: Uncertain significance (1); Benign (1); Likely benign (1). Last evaluated 2026-08-01.

Conditions:
Osteogenesis imperfecta type 13. Also called: OI, TYPE XIII; Osteogenesis imperfecta, type xiii. Identifiers: Orphanet 666, MedGen C3553887, MONDO:0013924, OMIM 614856.

Allele frequency attached by ClinVar (database versions not stated): ESP Exome Variant Server 0.00015; gnomAD 0.00017 and 0.00019; gnomAD exomes 0.00018 and 0.00038; TOPMed 0.00019; ExAC 0.00026.
gnomAD v4.1: 304 of 1,613,830 alleles (0.019%); highest among the groups gnomAD compares: Non-Finnish European, 0.0047%; 3 homozygotes.

Submissions (4):

CeGaT Center for Human Genetics Tuebingen
Classification: Likely benign. Last evaluated: 2026-08-01. Review status: criteria provided, single submitter. Criteria: CeGaT Center For Human Genetics Tuebingen Variant Classification Criteria Version 2. Collection method: clinical testing. Allele origin: germline. Affected: yes. Observed: 1 variant allele.
Comment: BMP1: BP4, BP7

Labcorp Genetics (formerly Invitae), Labcorp
Classification: Benign. Last evaluated: 2026-01-28. Review status: criteria provided, single submitter. Criteria: Invitae Variant Classification Sherloc (09022015). Collection method: clinical testing. Allele origin: germline.

Illumina Laboratory Services, Illumina
Classification: Uncertain significance for Osteogenesis imperfecta type 13. Last evaluated: 2018-01-12. Review status: criteria provided, single submitter. Criteria: ICSL Variant Classification Criteria 13 December 2019. Collection method: clinical testing. Allele origin: germline.

Dr. Peter K. Rogan Lab, Western University
No classification provided (evidence only). Condition: Sarcoma. Review status: no classification provided. Collection method: in vitro. Allele origin: not applicable. Functional consequence: retained intron. Not counted in ClinVar's aggregate classification.

NM_006129.5(BMP1):c.1044C>T (p.Cys348=)

Gene: BMP1 (bone morphogenetic protein 1; plus strand). Cytogenetic location: 8p21.3.
Variant type: single nucleotide variant.
Coding change: c.1044C>T on transcript NM_006129.5 (MANE Select); coding-DNA position 1044, C replaced by T.
Protein change: p.Cys348=; no amino-acid change (cysteine 348 retained).
Molecular consequence: synonymous variant. On other transcripts: non-coding transcript variant (2).
Genome position (GRCh38, 1-based): chr8:22,180,450, C>T. VCF-style: chr8-22180450-C-T. GRCh37 (hg19) VCF-style: chr8-22037963-C-T.
Other names: c.1044C>T, p.Cys348= (NM_001199.4).
Identifiers: ClinVar variation 908567 (VCV000908567.13), dbSNP rs149174555, ClinGen allele CA4664511.
Genomic context (GRCh38, chr8:22,180,450, plus strand): 5'-CAGCACAGGCAACTTCTCCTCCCCTGAATACCCCAATGGCTACTCTGCTCACATGCACTG[C>T]GTGTGGCGCATCTCTGTCACACCCGGGGAGAAGGTACGTGTGGGCTCAGCCTCTGAGCCT-3'
Protein context (NP_006120.1, residues 338-358): YPNGYSAHMH[Cys348=]VWRISVTPGE